The following is an entry in ClinVar:

NM_001042492.3(NF1):c.9G>A (p.Ala3=)

Genes: MIR4733HG (MIR4733 host gene; minus strand), NF1 (neurofibromin 1; plus strand), LOC111811965 (NF1 (neurofibromin 1) promoter region; plus strand). Cytogenetic location: 17q11.2.
Variant type: single nucleotide variant.
Coding change: c.9G>A on transcript NM_001042492.3 (MANE Select); coding-DNA position 9, G replaced by A.
Protein change: p.Ala3=; no amino-acid change (alanine 3 retained).
Molecular consequence: synonymous variant. On other transcripts: non-coding transcript variant (1).
Genome position (GRCh38, 1-based): chr17:31,095,318, G>A. VCF-style: chr17-31095318-G-A. GRCh37 (hg19) VCF-style: chr17-29422336-G-A.
Other names: c.9G>A, p.Ala3= (NM_000267.4, NM_001128147.3).
Identifiers: ClinVar variation 1624271 (VCV001624271.11), dbSNP rs2143144452, ClinGen allele CA499197495.
Genomic context (GRCh38, chr17:31,095,318, plus strand): 5'-CCAGGGCGCCGGCCCACCCTTCCCTCCGCCGCCCCCCGGCCGCGGGGAGGACATGGCCGC[G>A]CACAGGCCGGTGGAATGGGTCCAGGCCGTGGTCAGCCGCTTCGACGAGCAGGTAACCGGC-3'
Protein context (NP_001035957.1, residues 1-13): MA[Ala3=]HRPVEWVQAV

ClinVar aggregate classification (germline): Benign/Likely benign. Review status: criteria provided, multiple submitters, no conflicts (2 of 4 stars). 3 submissions from 3 submitters: Benign (1); Likely benign (2). Last evaluated 2026-05-14.

Conditions:
Cardiovascular phenotype. Identifiers: MedGen CN230736.
Hereditary cancer-predisposing syndrome. Also called: Neoplastic Syndromes, Hereditary; Tumor predisposition; Hereditary neoplastic syndrome; Hereditary Cancer Syndrome. Identifiers: Orphanet 140162, MedGen C0027672, MeSH D009386, MONDO:0015356.
Neurofibromatosis, type 1 (NF1). Also called: VON RECKLINGHAUSEN DISEASE; NEUROFIBROMATOSIS, TYPE I, SOMATIC; Neurofibromatosis, type I; Peripheral type neurofibromatosis. Identifiers: Orphanet 636, MedGen C0027831, MONDO:0018975, OMIM 162200. Disease mechanism: loss of function.

Submissions (3):

Myriad Genetics, Inc.
Classification: Benign for Neurofibromatosis, type 1. Last evaluated: 2026-05-14. Review status: criteria provided, single submitter. Criteria: Myriad Autosomal Dominant, Autosomal Recessive and X-Linked Classification Criteria (2023). Collection method: clinical testing. Allele origin: unknown.
Comment: This variant is considered benign. This variant is a silent/synonymous amino acid change and it is not expected to impact splicing.

Labcorp Genetics (formerly Invitae), Labcorp
Classification: Likely benign for Neurofibromatosis, type 1. Last evaluated: 2023-09-27. Review status: criteria provided, single submitter. Criteria: Invitae Variant Classification Sherloc (09022015). Collection method: clinical testing. Allele origin: germline.

Ambry Genetics
Classification: Likely benign for Cardiovascular phenotype; Hereditary cancer-predisposing syndrome. Last evaluated: 2017-12-05. Review status: criteria provided, single submitter. Criteria: Ambry Variant Classification Scheme 2023. Collection method: clinical testing. Allele origin: germline.